The following is an entry in ClinVar:

NM_000698.5(ALOX5):c.996G>A (p.Pro332=)

Gene: ALOX5 (arachidonate 5-lipoxygenase; plus strand). Cytogenetic location: 10q11.21.
Variant type: single nucleotide variant.
Coding change: c.996G>A on transcript NM_000698.5 (MANE Select); coding-DNA position 996, G replaced by A.
Protein change: p.Pro332=; no amino-acid change (proline 332 retained).
Molecular consequence: synonymous variant.
Genome position (GRCh38, 1-based): chr10:45,440,444, G>A. VCF-style: chr10-45440444-G-A. GRCh37 (hg19) VCF-style: chr10-45935892-G-A.
Other names: c.996G>A, p.Pro332= (NM_001256153.3, NM_001256154.3, NM_001320861.2); c.561G>A, p.Pro187= (NM_001320862.2).
Identifiers: ClinVar variation 120088 (VCV000120088.1), dbSNP rs146362560, ClinGen allele CA230615.

ClinVar aggregate classification (germline): not provided (0 of 4 stars; one submission).

Allele frequency attached by ClinVar (database versions not stated): gnomAD exomes 0.00030; ExAC 0.00042; gnomAD 0.00095 and 0.00096; ESP Exome Variant Server 0.00108; TOPMed 0.00112; 1000 Genomes Project 30x 0.00203; 1000 Genomes Project 0.00220.

Submission:

Functional Genomics, Thrombosis Research Institute, India
No classification provided. Review status: no classification provided. Collection method: not provided. Allele origin: not provided.
Comment: The polymorphisms were detected by PCR and sequencing of a 606 bp region in the ALOX5 gene and subsequent assembly and comparison to ENSEMBLE reference sequence.